The following is an entry in ClinVar:

NM_005263.5(GFI1):c.690C>G (p.His230Gln)

Gene: GFI1 (growth factor independent 1 transcriptional repressor; minus strand). Cytogenetic location: 1p22.1.
Variant type: single nucleotide variant.
Coding change: c.690C>G on transcript NM_005263.5 (MANE Select); coding-DNA position 690, C replaced by G.
Protein change: p.His230Gln; replaces histidine 230 with glutamine.
Molecular consequence: missense variant.
Genome position (GRCh38, 1-based): chr1:92,480,697, G>C on the plus strand (C>G on the coding strand, the complement: GFI1 is on the minus strand). VCF-style: chr1-92480697-G-C. GRCh37 (hg19) VCF-style: chr1-92946254-G-C.
Other names: c.690C>G, p.His230Gln (NM_001127215.3, NM_001127216.3); short protein forms H230Q.
Identifiers: ClinVar variation 3853734 (VCV003853734.1).

ClinVar aggregate classification (germline): Uncertain significance (1 of 4 stars; one submission).

gnomAD v4.1: 4 of 1,596,080 alleles (0.00025%); highest among the groups gnomAD compares: East Asian, 0.0089%; no homozygotes.

Submission:

Ambry Genetics
Classification: Uncertain significance. Last evaluated: 2025-03-02. Review status: criteria provided, single submitter. Criteria: Ambry Variant Classification Scheme 2023. Collection method: clinical testing. Allele origin: germline.
Comment: The p.H230Q variant (also known as c.690C>G), located in coding exon 3 of the GFI1 gene, results from a C to G substitution at nucleotide position 690. The histidine at codon 230 is replaced by glutamine, an amino acid with highly similar properties. This amino acid position is conserved. In addition, this alteration is predicted to be tolerated by in silico analysis. Based on the available evidence, the clinical significance of this variant remains unclear.